The following is an entry in ClinVar:

ClinVar aggregate classification (germline): Uncertain significance (1 of 4 stars; one submission).

Submission:

Genetic Services Laboratory, University of Chicago
Classification: Uncertain significance. Last evaluated: 2020-05-06. Review status: criteria provided, single submitter. Criteria: ACMG Guidelines, 2015. Collection method: clinical testing. Allele origin: germline. Affected: no.
Comment: DNA sequence analysis of the TRAPPC9 gene demonstrated a sequence change, c.1928T>G, in exon 11 that results in an amino acid change, p.Leu643Arg. This sequence change does not appear to have been previously described in patients with TRAPPC9-related disorders and has also not been described in population databases (gnomAD, ExAC). The p.Leu643Arg change affects a moderately conserved amino acid residue located in a domain of the TRAPPC9 protein that is not known to be functional. The p.Leu643Arg substitution appears to be deleterious using several in-silico pathogenicity prediction tools (SIFT, PolyPhen2, Align GVGD, REVEL). Due to these contrasting evidences and the lack of functional studies, the clinical significance of the p.Leu643Arg change remains unknown at this time.

NM_001160372.4(TRAPPC9):c.1634T>G (p.Leu545Arg)

Gene: TRAPPC9 (trafficking protein particle complex subunit 9; minus strand). Cytogenetic location: 8q24.3.
Variant type: single nucleotide variant.
Coding change: c.1634T>G on transcript NM_001160372.4 (MANE Select); coding-DNA position 1634, T replaced by G.
Protein change: p.Leu545Arg; replaces leucine 545 with arginine.
Molecular consequence: missense variant. On other transcripts: non-coding transcript variant (1).
Genome position (GRCh38, 1-based): chr8:140,300,603, A>C on the plus strand (T>G on the coding strand, the complement: TRAPPC9 is on the minus strand). VCF-style: chr8-140300603-A-C. GRCh37 (hg19) VCF-style: chr8-141310702-A-C.
Other names: c.1607T>G, p.Leu536Arg (NM_001321646.2); c.1655T>G, p.Leu552Arg (NM_001374682.1); c.1634T>G, p.Leu545Arg (NM_001374683.1, NM_031466.8); c.1490T>G, p.Leu497Arg (NM_001374684.1); short protein forms L497R, L536R, L545R, L552R.
Identifiers: ClinVar variation 1337599 (VCV001337599.4), dbSNP rs2131826248, ClinGen allele CA372316044.